The following is an entry in ClinVar:

ClinVar aggregate classification (germline): Uncertain significance. Review status: criteria provided, multiple submitters, no conflicts (2 of 4 stars). 2 submissions from 2 submitters: Uncertain significance (2). Last evaluated 2025-11-19.

Conditions:
Tuberous sclerosis 2 (TSC2). Identifiers: Orphanet 805, MedGen C1860707, MONDO:0013199, OMIM 613254.
Hereditary cancer-predisposing syndrome. Also called: Neoplastic Syndromes, Hereditary; Hereditary neoplastic syndrome; Tumor predisposition; Hereditary Cancer Syndrome. Identifiers: Orphanet 140162, MedGen C0027672, MeSH D009386, MONDO:0015356.

Allele frequency attached by ClinVar (database versions not stated): gnomAD exomes below 0.00001.
gnomAD v4.1: 1 of 1,613,914 alleles (0.000062%); highest among the groups gnomAD compares: Non-Finnish European, 0.000085%; no homozygotes.

Submissions (2):

Labcorp Genetics (formerly Invitae), Labcorp
Classification: Uncertain significance for Tuberous sclerosis 2. Last evaluated: 2025-11-19. Review status: criteria provided, single submitter. Criteria: Invitae Variant Classification Sherloc (09022015). Collection method: clinical testing. Allele origin: germline.
Comment: This sequence change replaces asparagine, which is neutral and polar, with histidine, which is basic and polar, at codon 55 of the TSC2 protein (p.Asn55His). This variant is not present in population databases (gnomAD no frequency). This variant has not been reported in the literature in individuals affected with TSC2-related conditions. ClinVar contains an entry for this variant (Variation ID: 846708). Invitae Evidence Modeling of protein sequence and biophysical properties (such as structural, functional, and spatial information, amino acid conservation, physicochemical variation, residue mobility, and thermodynamic stability) indicates that this missense variant is not expected to disrupt TSC2 protein function with a negative predictive value of 95%. In summary, the available evidence is currently insufficient to determine the role of this variant in disease. Therefore, it has been classified as a Variant of Uncertain Significance.

Ambry Genetics
Classification: Uncertain significance for Hereditary cancer-predisposing syndrome. Last evaluated: 2025-03-08. Review status: criteria provided, single submitter. Criteria: Ambry Variant Classification Scheme 2023. Collection method: clinical testing. Allele origin: germline.
Comment: The p.N55H variant (also known as c.163A>C), located in coding exon 2 of the TSC2 gene, results from an A to C substitution at nucleotide position 163. The asparagine at codon 55 is replaced by histidine, an amino acid with similar properties. This amino acid position is conserved. In addition, this alteration is predicted to be tolerated by in silico analysis. Based on the available evidence, the clinical significance of this variant remains unclear.

NM_000548.5(TSC2):c.163A>C (p.Asn55His)

Gene: TSC2 (TSC complex subunit 2; plus strand). Cytogenetic location: 16p13.3.
Variant type: single nucleotide variant.
Coding change: c.163A>C on transcript NM_000548.5 (MANE Select); coding-DNA position 163, A replaced by C.
Protein change: p.Asn55His; replaces asparagine 55 with histidine.
Molecular consequence: missense variant. On other transcripts: 5 prime UTR variant (1).
Genome position (GRCh38, 1-based): chr16:2,050,424, A>C. VCF-style: chr16-2050424-A-C. GRCh37 (hg19) VCF-style: chr16-2100425-A-C.
Other names: c.163A>C, p.Asn55His (NM_001077183.3, NM_001114382.3, NM_001318827.2 and 4 more transcripts); c.16A>C, p.Asn6His (NM_001318829.2); c.-64A>C (NM_001318831.2); c.196A>C, p.Asn66His (NM_001318832.2); short protein forms N66H, N55H, N6H.
Identifiers: ClinVar variation 846708 (VCV000846708.10), dbSNP rs2084958940, ClinGen allele CA394303209.